The following is an entry in ClinVar:

NM_004612.4(TGFBR1):c.*441C>T

Gene: TGFBR1 (transforming growth factor beta receptor 1; plus strand). Cytogenetic location: 9q22.33.
Variant type: single nucleotide variant.
Coding change: c.*441C>T on transcript NM_004612.4 (MANE Select); 441 bases downstream of the stop codon, C replaced by T.
Molecular consequence: 3 prime UTR variant.
Genome position (GRCh38, 1-based): chr9:99,149,746, C>T. VCF-style: chr9-99149746-C-T. GRCh37 (hg19) VCF-style: chr9-101912028-C-T.
Other names: c.*441C>T (NM_001130916.3, NM_001306210.2).
Identifiers: ClinVar variation 914761 (VCV000914761.32), dbSNP rs202012098, ClinGen allele CA196896102.
Genomic context (GRCh38, chr9:99,149,746, plus strand): 5'-AAGAAAGTGATTTACTCCTGGTTAGTACATTCTCAGAGGATTCTGAACCACTAGAGTTTC[C>T]TTGATTCAGACTTTGAATGTACTGTTCTATAGTTTTTCAGGATCTTAAAACTAACACTTA-3'

ClinVar aggregate classification (germline): Conflicting classifications of pathogenicity. Review status: criteria provided, conflicting classifications (1 of 4 stars). 2 submissions from 2 submitters: Uncertain significance (1); Likely benign (1). Last evaluated 2023-03-01.

Conditions:
Loeys-Dietz syndrome 1 (LDS1). Also called: FURLONG SYNDROME; TGFBR1-Related Loeys-Dietz Syndrome; AORTIC ANEURYSM, FAMILIAL THORACIC 5. Identifiers: Orphanet 60030, MedGen C4551955, MONDO:0012212, OMIM 609192.

Allele frequency attached by ClinVar (database versions not stated): gnomAD 0.00001 and 0.00008; TOPMed 0.00005; gnomAD exomes 0.00008; 1000 Genomes Project 30x 0.00016; 1000 Genomes Project 0.00040.
gnomAD v4.1: 19 of 250,810 alleles (0.0076%); highest among the groups gnomAD compares: South Asian, 0.17%; no homozygotes.

Submissions (2):

CeGaT Center for Human Genetics Tuebingen
Classification: Likely benign. Last evaluated: 2023-03-01. Review status: criteria provided, single submitter. Criteria: CeGaT Center For Human Genetics Tuebingen Variant Classification Criteria Version 2. Collection method: clinical testing. Allele origin: germline. Affected: yes. Observed: 2 variant alleles.
Comment: TGFBR1: BS1

Illumina Laboratory Services, Illumina
Classification: Uncertain significance for Loeys-Dietz syndrome 1. Last evaluated: 2018-01-12. Review status: criteria provided, single submitter. Criteria: ICSL Variant Classification Criteria 13 December 2019. Collection method: clinical testing. Allele origin: germline.